The following is an entry in ClinVar:

ClinVar aggregate classification (germline): Benign/Likely benign. Review status: criteria provided, multiple submitters, no conflicts (2 of 4 stars). 11 submissions from 10 submitters: Benign (10); Likely benign (1). Last evaluated 2026-02-01.

Conditions:
ALS2-related disorder. Also called: ALS2-related condition; ALS2-Related Spectrum Disorders; ALS2-related disorders. Identifiers: MedGen CN169291.
Juvenile primary lateral sclerosis (PLSJ). Also called: Juvenile Primary Lateral Sclerosis (JPLS). Identifiers: Orphanet 247604, MedGen C1853396, MONDO:0011663, OMIM 606353.
Infantile-onset ascending hereditary spastic paralysis (IAHSP). Also called: Infantile-Onset Ascending Hereditary Spastic Paralysis (IAHSP); Autosomal Recessive Juvenile Amyotrophic Lateral Sclerosis. Identifiers: Orphanet 293168, MedGen C2931441, MONDO:0011797, OMIM 607225. Disease mechanism: loss of function.
Amyotrophic lateral sclerosis type 2, juvenile. Also called: Amyotrophic lateral sclerosis type 2; ALS, JUVENILE. Identifiers: Orphanet 300605, MedGen C1859807, MONDO:0008780, OMIM 205100.
Hereditary spastic paraplegia. Also called: Familial spastic paraparesis. Identifiers: Orphanet 685, MedGen C0037773, MONDO:0019064. Disease mechanism: loss of function.

Allele frequency attached by ClinVar (database versions not stated): ESP Exome Variant Server 0.00072; gnomAD exomes 0.00217 and 0.00905; gnomAD 0.00334 and 0.00345; 1000 Genomes Project 0.00579; 1000 Genomes Project 30x 0.00640; ExAC 0.00671; TOPMed 0.00689.
gnomAD v4.1: 3,723 of 1,613,970 alleles (0.23%); highest among the groups gnomAD compares: Admixed American, 5.2%; 126 homozygotes.

Submissions (11):

Labcorp Genetics (formerly Invitae), Labcorp
Classification: Benign for Infantile-onset ascending hereditary spastic paralysis. Last evaluated: 2026-02-01. Review status: criteria provided, single submitter. Criteria: Invitae Variant Classification Sherloc (09022015). Collection method: clinical testing. Allele origin: germline.

CeGaT Center for Human Genetics Tuebingen
Classification: Benign. Last evaluated: 2024-04-01. Review status: criteria provided, single submitter. Criteria: CeGaT Center For Human Genetics Tuebingen Variant Classification Criteria Version 2. Collection method: clinical testing. Allele origin: germline. Affected: yes. Observed: 1 variant allele.
Comment: ALS2: BS1, BS2

Athena Diagnostics
Classification: Benign. Last evaluated: 2023-12-29. Review status: criteria provided, single submitter. Criteria: Athena Diagnostics Criteria. Collection method: clinical testing. Allele origin: unknown.

ARUP Laboratories, Molecular Genetics and Genomics, ARUP Laboratories
Classification: Benign. Last evaluated: 2023-11-22. Review status: criteria provided, single submitter. Criteria: ARUP Molecular Germline Variant Investigation Process 2024. Collection method: clinical testing. Allele origin: germline.

Fulgent Genetics
Classification: Likely benign for Amyotrophic lateral sclerosis type 2, juvenile; Juvenile primary lateral sclerosis; Infantile-onset ascending hereditary spastic paralysis. Last evaluated: 2021-10-13. Review status: criteria provided, single submitter. Criteria: ACMG Guidelines, 2015. Collection method: clinical testing. Allele origin: unknown.

Genome Diagnostics Laboratory, The Hospital for Sick Children
Classification: Benign for Hereditary spastic paraplegia. Last evaluated: 2020-09-04. Review status: criteria provided, single submitter. Criteria: ACMG Guidelines, 2015. Collection method: clinical testing. Allele origin: germline. Affected: yes.

Mayo Clinic Laboratories, Mayo Clinic
Classification: Benign. Last evaluated: 2019-08-23. Review status: criteria provided, single submitter. Criteria: ACMG Guidelines, 2015. Collection method: clinical testing. Allele origin: germline. Observed: 12 variant alleles.

GeneDx
Classification: Benign. Last evaluated: 2018-07-21. Review status: criteria provided, single submitter. Criteria: GeneDx Variant Classification Process June 2021. Collection method: clinical testing. Allele origin: germline. Affected: yes.
Comment: This variant is associated with the following publications: (PMID: 31182772)

Illumina Laboratory Services, Illumina
Classification: Benign for Amyotrophic lateral sclerosis type 2. Last evaluated: 2018-03-06. Review status: criteria provided, single submitter. Criteria: ICSL Variant Classification Criteria 13 December 2019. Collection method: clinical testing. Allele origin: germline.
Comment: This variant was observed in the ICSL laboratory as part of a predisposition screen in an ostensibly healthy population. It had not been previously curated by ICSL or reported in the Human Gene Mutation Database (HGMD: prior to June 1st, 2018), and was therefore a candidate for classification through an automated scoring system. Utilizing variant allele frequency, disease prevalence and penetrance estimates, and inheritance mode, an automated score was calculated to assess if this variant is too frequent to cause the disease. Based on the score and internal cut-off values, a variant classified as benign is not then subjected to further curation. The score for this variant resulted in a classification of benign for this disease.

Illumina Laboratory Services, Illumina
Classification: Benign for ALS2-Related Disorders. Last evaluated: 2018-03-06. Review status: criteria provided, single submitter. Criteria: ICSL Variant Classification Criteria 13 December 2019. Collection method: clinical testing. Allele origin: germline.
Comment: the same text as in the submission from Illumina Laboratory Services, Illumina above.

Breakthrough Genomics
Classification: Benign. Review status: criteria provided, single submitter. Criteria: ACMG Guidelines, 2015. Collection method: not provided. Allele origin: germline. Inheritance: Autosomal recessive inheritance. Affected: yes.

Literature cited by the submitters: PubMed 14676054 (cited by Athena Diagnostics); PubMed 31182772 (cited by Athena Diagnostics).

NM_020919.4(ALS2):c.475G>A (p.Glu159Lys)

Gene: ALS2 (alsin Rho guanine nucleotide exchange factor ALS2; minus strand). Cytogenetic location: 2q33.1.
Variant type: single nucleotide variant.
Coding change: c.475G>A on transcript NM_020919.4 (MANE Select); coding-DNA position 475, G replaced by A.
Protein change: p.Glu159Lys; replaces glutamic acid 159 with lysine.
Molecular consequence: missense variant.
Genome position (GRCh38, 1-based): chr2:201,761,519, C>T on the plus strand (G>A on the coding strand, the complement: ALS2 is on the minus strand). VCF-style: chr2-201761519-C-T. GRCh37 (hg19) VCF-style: chr2-202626242-C-T.
Other names: c.475G>A, p.Glu159Lys (NM_001135745.2); short protein forms E159K.
Identifiers: ClinVar variation 241312 (VCV000241312.53), dbSNP rs3219155, ClinGen allele CA2058645.